The following is an entry in ClinVar:

ClinVar aggregate classification (germline): Likely pathogenic (1 of 4 stars; one submission).

Conditions:
Diets-Jongmans syndrome. Also called: INTELLECTUAL DEVELOPMENTAL DISORDER WITH DISTINCTIVE FACIAL DYSMORPHISM. Identifiers: MedGen C5394263, MONDO:0030012, OMIM 618846.

Submission:

Laboratorio de Genetica e Diagnostico Molecular, Hospital Israelita Albert Einstein
Classification: Likely pathogenic for Diets-Jongmans syndrome. Last evaluated: 2025-06-29. Review status: criteria provided, single submitter. Criteria: ACMG Guidelines, 2015. Collection method: clinical testing. Allele origin: germline. Affected: yes.
Comment: ACMG classification criteria: PVS1 very strong, PM2 supporting

NM_016604.4(KDM3B):c.4411+1G>C

Gene: KDM3B (lysine demethylase 3B; plus strand). Cytogenetic location: 5q31.2.
Variant type: single nucleotide variant.
Coding change: c.4411+1G>C on transcript NM_016604.4 (MANE Select); the canonical splice donor site of the intron after coding-DNA position 4411, G replaced by C.
Molecular consequence: splice donor variant.
Genome position (GRCh38, 1-based): chr5:138,425,583, G>C. VCF-style: chr5-138425583-G-C. GRCh37 (hg19) VCF-style: chr5-137761272-G-C.
Identifiers: ClinVar variation 4846831 (VCV004846831.1).